The following is an entry in ClinVar:

ClinVar aggregate classification (germline): Likely benign. Review status: criteria provided, multiple submitters, no conflicts (2 of 4 stars). 2 submissions from 2 submitters: Likely benign (2). Last evaluated 2023-02-01.

Allele frequency attached by ClinVar (database versions not stated): 1000 Genomes Project 0.00100; 1000 Genomes Project 30x 0.00109; ExAC 0.00160; gnomAD exomes 0.00172 and 0.00302; gnomAD 0.00191 and 0.00198; TOPMed 0.00206; ESP Exome Variant Server 0.00246.
gnomAD v4.1: 4,671 of 1,614,216 alleles (0.29%); highest among the groups gnomAD compares: Non-Finnish European, 0.36%; 8 homozygotes.

Submissions (2):

CeGaT Center for Human Genetics Tuebingen
Classification: Likely benign. Last evaluated: 2023-02-01. Review status: criteria provided, single submitter. Criteria: CeGaT Center For Human Genetics Tuebingen Variant Classification Criteria Version 2. Collection method: clinical testing. Allele origin: germline. Affected: yes. Observed: 4 variant alleles.
Comment: CLDND2: BP4, BP7

Breakthrough Genomics
Classification: Likely benign. Review status: criteria provided, single submitter. Criteria: ACMG Guidelines, 2015. Collection method: not provided. Allele origin: germline. Inheritance: Unknown mechanism. Affected: yes.

NM_152353.3(CLDND2):c.471C>T (p.Thr157=)

Gene: CLDND2 (claudin domain containing 2; minus strand). Cytogenetic location: 19q13.41.
Variant type: single nucleotide variant.
Coding change: c.471C>T on transcript NM_152353.3 (MANE Select); coding-DNA position 471, C replaced by T.
Protein change: p.Thr157=; no amino-acid change (threonine 157 retained).
Molecular consequence: synonymous variant.
Genome position (GRCh38, 1-based): chr19:51,367,175, G>A on the plus strand (C>T on the coding strand, the complement: CLDND2 is on the minus strand). VCF-style: chr19-51367175-G-A. GRCh37 (hg19) VCF-style: chr19-51870429-G-A.
Identifiers: ClinVar variation 1675755 (VCV001675755.34), dbSNP rs1059344, ClinGen allele CA9610998.
Genomic context (GRCh38, chr19:51,367,175, plus strand): 5'-CTTTATTCTGCCCCAGGCAGGCTGCAGTCACAGACACACGGGGAATCCACTGATGGCGTC[G>A]GTGCTCTGCATGATCATGTCTGCCAGCAGAAAGCAGAAGCCTGGGGGGACGGGGGTGCGG-3'
Protein context (NP_689566.1, residues 147-167): FLLADMIMQS[Thr157=]DAISGFPVCL